The following continues an entry in ClinVar:

NM_007194.4(CHEK2):c.980A>G (p.Tyr327Cys)

Gene: CHEK2. ClinVar aggregate classification (germline): Uncertain significance. Uncertain significance (14).

Submissions 10 to 21 of 21:

Quest Diagnostics Nichols Institute San Juan Capistrano
Classification: Uncertain significance. Last evaluated: 2022-09-23. Review status: criteria provided, single submitter. Criteria: Quest Diagnostics criteria. Collection method: clinical testing. Allele origin: unknown.
Comment: The frequency of this variant in the general population, 0.000026 (3/113756 chromosomes), is uninformative in assessment of its pathogenicity. In the published literature, the variant has been reported in individuals with breast cancer (PMID: 31050813 (2019), 33471991 (2021)), in an individual with prostate cancer (PMID: 12533788 (2003)), and in an individual with breast and thyroid cancer (PMID: 31050813 (2019)). The variant is also found in unaffected individuals (PMID: 30287823 (2018), 33471991 (2021)). A functional study in human cells demonstrated that this variant had a damaging effect on protein (PMID: 31050813 (2019)), while a study on yeast found no effect (PMID: 30851065 (2019)). Analysis of this variant using bioinformatics tools for the prediction of the effect of amino acid changes on protein structure and function yielded predictions that this variant is damaging. Based on the available information, we are unable to determine the clinical significance of this variant.

Sema4
Classification: Uncertain significance for Hereditary cancer-predisposing syndrome. Last evaluated: 2022-03-10. Review status: criteria provided, single submitter. Criteria: Sema4 Curation Guidelines. Collection method: curation. Allele origin: germline.
Comment: The CHEK2 c.980A>G (p.Y327C) variant has been reported in individuals with breast cancer or prostate cancer (PMIDs: 31050813, 12533788, 29522266) as well as in controls (PMID 30287823). Additionally, in a large case-control study, the variant was reported in 5/60466 breast cancer cases and in 5/53461 controls (PMID: 33471991). This variant was observed in 4/251474 chromosomes in the large and broad cohorts of the Genome Aggregation Database. The variant has been reported in ClinVar (Variation ID 128092). In silico tools suggest the impact of the variant on protein function is inconclusive and functional studies demonstrated conflicting results (PMIDs: 31050813, 30851065). The overall evidence is insufficient to meet ACMG/AMP criteria for classifying it as benign or pathogenic. In summary, the clinical significance of this variant is currently uncertain.

Genetics and Molecular Pathology, SA Pathology
Classification: Uncertain significance for Familial cancer of breast. Last evaluated: 2020-09-21. Review status: criteria provided, single submitter. Criteria: ACMG Guidelines, 2015. Collection method: clinical testing. Allele origin: germline. Affected: yes.

Institute of Human Genetics, University of Leipzig Medical Center
Classification: Uncertain significance for Familial cancer of breast. Last evaluated: 2019-01-01. Review status: criteria provided, single submitter. Criteria: ACMG Guidelines, 2015. Collection method: clinical testing. Allele origin: unknown. Affected: yes.

Fulgent Genetics
Classification: Uncertain significance for Familial cancer of breast; Familial prostate cancer; Bone osteosarcoma; CHEK2-related cancer predisposition. Last evaluated: 2017-05-23. Review status: criteria provided, single submitter. Criteria: ACMG Guidelines, 2015. Collection method: clinical testing. Allele origin: unknown.

PreventionGenetics, part of Exact Sciences
Classification: Uncertain significance for CHEK2-related condition. Last evaluated: 2024-02-19. Review status: no assertion criteria provided. Collection method: clinical testing. Allele origin: germline. Not counted in ClinVar's aggregate classification.
Comment: The CHEK2 c.980A>G variant is predicted to result in the amino acid substitution p.Tyr327Cys. This variant has been reported in individuals with prostate cancer (Dong et al. 2003. PubMed ID: 12533788), breast cancer (Kleiblova et al. 2019. PubMed ID: 31050813; Table S4, Bhai et al. 2021. PubMed ID: 34326862), and in a control individual from a breast cancer study (Momozawa et al. 2018. PubMed ID: 30287823). This variant is reported in 0.0033% of alleles in individuals of South Asian descent in gnomAD. This variant is listed in ClinVar as uncertain by several diagnostic labs. At this time, the clinical significance of this variant is uncertain due to the absence of conclusive functional and genetic evidence.

CZECANCA consortium
Classification: Likely pathogenic for Breast and/or ovarian cancer. Last evaluated: 2019-06-11. Review status: no assertion criteria provided. Collection method: clinical testing. Allele origin: germline. Affected: yes. Observed: 1 variant allele. Not counted in ClinVar's aggregate classification.

Counsyl
Classification: Uncertain significance for Familial cancer of breast. Last evaluated: 2016-11-11. Review status: no assertion criteria provided. Collection method: clinical testing. Allele origin: unknown. Not counted in ClinVar's aggregate classification.

Clinical Genetics DNA and cytogenetics Diagnostics Lab, Erasmus MC, Erasmus Medical Center
Classification: Uncertain significance. Review status: no assertion criteria provided. Collection method: clinical testing. Allele origin: germline. Affected: yes. Study: VKGL Data-share Consensus. Not counted in ClinVar's aggregate classification.

Department of Pathology and Laboratory Medicine, Sinai Health System
Classification: Uncertain significance for Familial cancer of breast. Review status: no assertion criteria provided. Collection method: clinical testing. Allele origin: unknown. Affected: yes. Study: The Canadian Open Genetics Repository (COGR). Not counted in ClinVar's aggregate classification.
Comment: The CHEK2 p.Tyr327Cys variant was identified in 1 of 800 proband chromosomes (frequency: 0.001) from an individual with sporadic prostate cancer and was not identified in 846 control chromosomes from healthy individuals or from 596 chromosomes from familial prostate cancer (Dong 2003). The variant was also identified in dbSNP (ID: rs587780194) as "With Uncertain significance allele", ClinVar (classified as uncertain significance by Gene Dx, Ambry Genetics, Counsyl, Invitae, Color and Fulgent Genetics). The variant was identified in control databases in 5 of 277198 chromosomes at a frequency of 0.00002 (Genome Aggregation Database Feb 27, 2017). The variant was observed in the following populations: Other in 1 of 6468 chromosomes (freq: 0.0002), European Non-Finnish in 3 of 126694 chromosomes (freq: 0.00002), and South Asian in 1 of 30782 chromosomes (freq: 0.00003), while the variant was not observed in the African, Latino, Ashkenazi Jewish, East Asian, or European Finnish populations. The p.Tyr327 residue is conserved in mammals but not in more distantly related organisms, and computational analyses (PolyPhen-2, SIFT, AlignGVGD, BLOSUM, MutationTaster) suggest that the variant may impact the protein; however, this information is not predictive enough to assume pathogenicity. The variant occurs outside of the splicing consensus sequence and in silico or computational prediction software programs (SpliceSiteFinder, MaxEntScan, NNSPLICE, GeneSplicer) do not predict a difference in splicing. In summary, based on the above information the clinical significance of this variant cannot be determined with certainty at this time. This variant is classified as a variant of uncertain significance.

Diagnostic Laboratory, Department of Genetics, University Medical Center Groningen
Classification: Uncertain significance. Review status: no assertion criteria provided. Collection method: clinical testing. Allele origin: germline. Affected: yes. Study: VKGL Data-share Consensus. Not counted in ClinVar's aggregate classification.

Joint Genome Diagnostic Labs from Nijmegen and Maastricht, Radboudumc and MUMC+
Classification: Uncertain significance. Review status: no assertion criteria provided. Collection method: clinical testing. Allele origin: germline. Affected: yes. Study: VKGL Data-share Consensus. Not counted in ClinVar's aggregate classification.

Literature cited by the submitters: PubMed 12533788 (cited by 6 submitters); PubMed 31050813 (cited by 6 submitters); PubMed 34326862 (cited by Labcorp Genetics (formerly Invitae), Labcorp); PubMed 30851065 (cited by 4 submitters); PubMed 37449874 (cited by Labcorp Genetics (formerly Invitae), Labcorp and Ambry Genetics); PubMed 29522266 (cited by Ambry Genetics); PubMed 31409080 (cited by Ambry Genetics); PubMed 32832836 (cited by Ambry Genetics); PubMed 32885271 (cited by Ambry Genetics); PubMed 30287823 (cited by 3 submitters); PubMed 33471991 (cited by Quest Diagnostics Nichols Institute San Juan Capistrano and Sema4); PubMed 32295079 (cited by CZECANCA consortium).